The following is an entry in ClinVar:

ClinVar aggregate classification (germline): Uncertain significance (1 of 4 stars; one submission).

Conditions:
Inborn genetic diseases. Identifiers: MedGen C0950123, MeSH D030342.

Submission:

Ambry Genetics
Classification: Uncertain significance for Inborn genetic diseases. Last evaluated: 2023-09-18. Review status: criteria provided, single submitter. Criteria: Ambry Variant Classification Scheme 2023. Collection method: clinical testing. Allele origin: germline.
Comment: The p.N705D variant (also known as c.2113A>G), located in coding exon 22 of the ERCC2 gene, results from an A to G substitution at nucleotide position 2113. The asparagine at codon 705 is replaced by aspartic acid, an amino acid with highly similar properties. This amino acid position is conserved. In addition, this alteration is predicted to be tolerated by in silico analysis. Since supporting evidence is limited at this time, the clinical significance of this alteration remains unclear.

NM_000400.4(ERCC2):c.2113A>G (p.Asn705Asp)

Gene: ERCC2 (ERCC excision repair 2, TFIIH core complex helicase subunit; minus strand). Cytogenetic location: 19q13.32.
Variant type: single nucleotide variant.
Coding change: c.2113A>G on transcript NM_000400.4 (MANE Select); coding-DNA position 2113, A replaced by G.
Protein change: p.Asn705Asp; replaces asparagine 705 with aspartic acid.
Molecular consequence: missense variant.
Genome position (GRCh38, 1-based): chr19:45,352,286, T>C on the plus strand (A>G on the coding strand, the complement: ERCC2 is on the minus strand). VCF-style: chr19-45352286-T-C. GRCh37 (hg19) VCF-style: chr19-45855544-T-C.
Other names: short protein forms N705D.
Identifiers: ClinVar variation 3231673 (VCV003231673.1), dbSNP rs2513997856, ClinGen allele CA406362219.